The following continues an entry in ClinVar:

NM_000059.4(BRCA2):c.1889C>T (p.Thr630Ile)

Gene: BRCA2. ClinVar aggregate classification (germline): Benign. Benign (1).

Submissions 23 to 29 of 29:

Biesecker Lab/Clinical Genomics Section, National Institutes of Health
Classification: Uncertain significance. Last evaluated: 2012-07-13. Review status: no assertion criteria provided. Collection method: research. Allele origin: germline. Affected: no. Observed: 1 variant allele. Study: ClinSeq. Not counted in ClinVar's aggregate classification.
ClinVar note: Converted during submission from variant of unknown significance to Uncertain significance.

Sharing Clinical Reports Project (SCRP)
Classification: Uncertain significance for Breast-ovarian cancer, familial 2. Last evaluated: 2006-12-19. Review status: no assertion criteria provided. Collection method: clinical testing. Allele origin: germline. Not counted in ClinVar's aggregate classification.

Breast Cancer Information Core (BIC) (BRCA2)
Classification: Uncertain significance for Breast-ovarian cancer, familial 2. Last evaluated: 2002-05-29. Review status: no assertion criteria provided. Collection method: clinical testing. Allele origin: germline. Affected: yes. Observed: 31 variant alleles. Not counted in ClinVar's aggregate classification.

Clinical Genetics DNA and cytogenetics Diagnostics Lab, Erasmus MC, Erasmus Medical Center
Classification: Benign. Review status: no assertion criteria provided. Collection method: clinical testing. Allele origin: germline. Affected: yes. Study: VKGL Data-share Consensus. Not counted in ClinVar's aggregate classification.

Department of Pathology and Laboratory Medicine, Sinai Health System
Classification: Benign. Review status: no assertion criteria provided. Collection method: clinical testing. Allele origin: unknown. Affected: yes. Observed: 2 variant alleles. Study: The Canadian Open Genetics Repository (COGR). Not counted in ClinVar's aggregate classification.

Foulkes Cancer Genetics LDI, Lady Davis Institute for Medical Research
Classification: Benign for Breast and/or ovarian cancer. Review status: no assertion criteria provided. Collection method: clinical testing. Allele origin: germline. Study: The Canadian Open Genetics Repository (COGR). Not counted in ClinVar's aggregate classification.

Laboratory of Diagnostic Genome Analysis, Leiden University Medical Center (LUMC)
Classification: Benign. Review status: no assertion criteria provided. Collection method: clinical testing. Allele origin: germline. Affected: yes. Study: VKGL Data-share Consensus. Not counted in ClinVar's aggregate classification.

Literature cited by the submitters: PubMed 21990134 (cited by 3 submitters); PubMed 12161607 (cited by Women's Health and Genetics/Laboratory Corporation of America, LabCorp and Counsyl); PubMed 23231788 (cited by Women's Health and Genetics/Laboratory Corporation of America, LabCorp); PubMed 20960228 (cited by Women's Health and Genetics/Laboratory Corporation of America, LabCorp and Counsyl); PubMed 17250666 (cited by Women's Health and Genetics/Laboratory Corporation of America, LabCorp and Counsyl); PubMed 21520273 (cited by Women's Health and Genetics/Laboratory Corporation of America, LabCorp); PubMed 18403564 (cited by Women's Health and Genetics/Laboratory Corporation of America, LabCorp); PubMed 17924331 (cited by Women's Health and Genetics/Laboratory Corporation of America, LabCorp and Counsyl); PubMed 18284688 (cited by Women's Health and Genetics/Laboratory Corporation of America, LabCorp); PubMed 24323938 (cited by Women's Health and Genetics/Laboratory Corporation of America, LabCorp); PubMed 20104584 (cited by Women's Health and Genetics/Laboratory Corporation of America, LabCorp and Counsyl).